The following is an entry in ClinVar:

NM_004168.4(SDHA):c.149C>T (p.Ser50Phe)

Gene: SDHA (succinate dehydrogenase complex flavoprotein subunit A; plus strand). Cytogenetic location: 5p15.33.
Variant type: single nucleotide variant.
Coding change: c.149C>T on transcript NM_004168.4 (MANE Select); coding-DNA position 149, C replaced by T.
Protein change: p.Ser50Phe; replaces serine 50 with phenylalanine.
Molecular consequence: missense variant.
Genome position (GRCh38, 1-based): chr5:223,567, C>T. VCF-style: chr5-223567-C-T. GRCh37 (hg19) VCF-style: chr5-223682-C-T.
Other names: c.149C>T, p.Ser50Phe (NM_001294332.2, NM_001330758.2); short protein forms S50F.
Identifiers: ClinVar variation 819389 (VCV000819389.15), dbSNP rs369321221, ClinGen allele CA359008333.

ClinVar aggregate classification (germline): Uncertain significance. Review status: criteria provided, multiple submitters, no conflicts (2 of 4 stars). 2 submissions from 2 submitters: Uncertain significance (2). Last evaluated 2025-11-01.

Conditions:
Hereditary cancer-predisposing syndrome. Also called: Tumor predisposition; Hereditary neoplastic syndrome; Neoplastic Syndromes, Hereditary; Hereditary Cancer Syndrome. Identifiers: Orphanet 140162, MedGen C0027672, MeSH D009386, MONDO:0015356.
Pheochromocytoma/paraganglioma syndrome 5. Also called: Paragangliomas 5; SDHA-Related Hereditary Paraganglioma-Pheochromocytoma Syndrome. Identifiers: Orphanet 29072, MedGen C3279992, MONDO:0013602, OMIM 614165.
Mitochondrial complex II deficiency, nuclear type 1. Also called: SUCCINATE CoQ REDUCTASE DEFICIENCY. Identifiers: Orphanet 3208, MedGen C5700310, MONDO:0100294, OMIM 252011.

Allele frequency attached by ClinVar (database versions not stated): TOPMed 0.00001; gnomAD 0.00003.

Submissions (2):

Ambry Genetics
Classification: Uncertain significance for Hereditary cancer-predisposing syndrome. Last evaluated: 2025-11-01. Review status: criteria provided, single submitter. Criteria: Ambry Variant Classification Scheme 2023. Collection method: clinical testing. Allele origin: germline.
Comment: The p.S50F variant (also known as c.149C>T), located in coding exon 2 of the SDHA gene, results from a C to T substitution at nucleotide position 149. The serine at codon 50 is replaced by phenylalanine, an amino acid with highly dissimilar properties. This amino acid position is not well conserved in available vertebrate species. In addition, this alteration is predicted to be tolerated by in silico analysis. Since supporting evidence is limited at this time, the clinical significance of this alteration remains unclear.

Labcorp Genetics (formerly Invitae), Labcorp
Classification: Uncertain significance for Pheochromocytoma/paraganglioma syndrome 5; Mitochondrial complex II deficiency, nuclear type 1. Last evaluated: 2025-10-23. Review status: criteria provided, single submitter. Criteria: Invitae Variant Classification Sherloc (09022015). Collection method: clinical testing. Allele origin: germline.
Comment: This sequence change replaces serine, which is neutral and polar, with phenylalanine, which is neutral and non-polar, at codon 50 of the SDHA protein (p.Ser50Phe). This variant is present in population databases (no rsID available, gnomAD 0.01%). This variant has not been reported in the literature in individuals affected with SDHA-related conditions. ClinVar contains an entry for this variant (Variation ID: 819389). An algorithm developed to predict the effect of missense changes on protein structure and function (PolyPhen-2) suggests that this variant is likely to be tolerated. In summary, the available evidence is currently insufficient to determine the role of this variant in disease. Therefore, it has been classified as a Variant of Uncertain Significance.